The following is an entry in ClinVar:

ClinVar aggregate classification (germline): Uncertain significance (1 of 4 stars; one submission).

gnomAD v4.1: 1 of 1,612,826 alleles (0.000062%); highest among the groups gnomAD compares: Non-Finnish European, 0.000085%; no homozygotes.

Submission:

Labcorp Genetics (formerly Invitae), Labcorp
Classification: Uncertain significance. Last evaluated: 2024-04-01. Review status: criteria provided, single submitter. Criteria: Invitae Variant Classification Sherloc (09022015). Collection method: clinical testing. Allele origin: germline.
Comment: This sequence change replaces proline, which is neutral and non-polar, with arginine, which is basic and polar, at codon 669 of the COL4A1 protein (p.Pro669Arg). This variant is not present in population databases (gnomAD no frequency). This variant has not been reported in the literature in individuals affected with COL4A1-related conditions. An algorithm developed to predict the effect of missense changes on protein structure and function (PolyPhen-2) suggests that this variant is likely to be tolerated. In summary, the available evidence is currently insufficient to determine the role of this variant in disease. Therefore, it has been classified as a Variant of Uncertain Significance.

NM_001845.6(COL4A1):c.2006C>G (p.Pro669Arg)

Gene: COL4A1 (collagen type IV alpha 1 chain; minus strand). Cytogenetic location: 13q34.
Variant type: single nucleotide variant.
Coding change: c.2006C>G on transcript NM_001845.6 (MANE Select); coding-DNA position 2006, C replaced by G.
Protein change: p.Pro669Arg; replaces proline 669 with arginine.
Molecular consequence: missense variant.
Genome position (GRCh38, 1-based): chr13:110,183,082, G>C on the plus strand (C>G on the coding strand, the complement: COL4A1 is on the minus strand). VCF-style: chr13-110183082-G-C. GRCh37 (hg19) VCF-style: chr13-110835429-G-C.
Other names: short protein forms P669R.
Identifiers: ClinVar variation 3642787 (VCV003642787.2).